The following is an entry in ClinVar:

ClinVar aggregate classification (germline): Uncertain significance. Review status: criteria provided, multiple submitters, no conflicts (2 of 4 stars). 3 submissions from 3 submitters: Uncertain significance (3). Last evaluated 2026-03-26.

Conditions:
Inborn genetic diseases. Identifiers: MedGen C0950123, MeSH D030342.

Submissions (3):

GeneDx
Classification: Uncertain significance. Last evaluated: 2026-03-26. Review status: criteria provided, single submitter. Criteria: GeneDx Variant Classification Process June 2021. Collection method: clinical testing. Allele origin: germline.
Comment: Not observed at significant frequency in large population cohorts (gnomAD); In silico analysis suggests that this missense variant does not alter protein structure/function; Has not been previously published as pathogenic or benign to our knowledge

Ambry Genetics
Classification: Uncertain significance for Inborn genetic diseases. Last evaluated: 2023-04-14. Review status: criteria provided, single submitter. Criteria: Ambry Variant Classification Scheme 2023. Collection method: clinical testing. Allele origin: germline.
Comment: The c.1672G>C (p.V558L) alteration is located in exon 11 (coding exon 11) of the CDH2 gene. This alteration results from a G to C substitution at nucleotide position 1672, causing the valine (V) at amino acid position 558 to be replaced by a leucine (L). This variant was not reported in population-based cohorts in the Genome Aggregation Database (gnomAD). This amino acid position is not well conserved in available vertebrate species. This alteration is predicted to be tolerated by in silico analysis. Based on insufficient or conflicting evidence, the clinical significance of this alteration remains unclear.

Labcorp Genetics (formerly Invitae), Labcorp
Classification: Uncertain significance. Last evaluated: 2023-01-19. Review status: criteria provided, single submitter. Criteria: Invitae Variant Classification Sherloc (09022015). Collection method: clinical testing. Allele origin: germline.
Comment: In summary, the available evidence is currently insufficient to determine the role of this variant in disease. Therefore, it has been classified as a Variant of Uncertain Significance. Algorithms developed to predict the effect of missense changes on protein structure and function output the following: SIFT: "Tolerated"; PolyPhen-2: "Benign"; Align-GVGD: "Class C0". The leucine amino acid residue is found in multiple mammalian species, which suggests that this missense change does not adversely affect protein function. ClinVar contains an entry for this variant (Variation ID: 1448116). This variant has not been reported in the literature in individuals affected with CDH2-related conditions. This variant is not present in population databases (gnomAD no frequency). This sequence change replaces valine, which is neutral and non-polar, with leucine, which is neutral and non-polar, at codon 558 of the CDH2 protein (p.Val558Leu).

NM_001792.5(CDH2):c.1672G>C (p.Val558Leu)

Gene: CDH2 (cadherin 2; minus strand). Cytogenetic location: 18q12.1.
Variant type: single nucleotide variant.
Coding change: c.1672G>C on transcript NM_001792.5 (MANE Select); coding-DNA position 1672, G replaced by C.
Protein change: p.Val558Leu; replaces valine 558 with leucine.
Molecular consequence: missense variant.
Genome position (GRCh38, 1-based): chr18:27,988,593, C>G on the plus strand (G>C on the coding strand, the complement: CDH2 is on the minus strand). VCF-style: chr18-27988593-C-G. GRCh37 (hg19) VCF-style: chr18-25568557-C-G.
Other names: c.1579G>C, p.Val527Leu (NM_001308176.2); c.1672G>C (NM_001792.4); short protein forms V527L, V558L.
Identifiers: ClinVar variation 1448116 (VCV001448116.11), dbSNP rs1247759762, ClinGen allele CA402107982.